The following is an entry in ClinVar:

ClinVar aggregate classification (germline): Uncertain significance (1 of 4 stars; one submission).

Submission:

Labcorp Genetics (formerly Invitae), Labcorp
Classification: Uncertain significance. Last evaluated: 2022-07-19. Review status: criteria provided, single submitter. Criteria: Invitae Variant Classification Sherloc (09022015). Collection method: clinical testing. Allele origin: germline.
Comment: This sequence change replaces threonine, which is neutral and polar, with serine, which is neutral and polar, at codon 213 of the SPART protein (p.Thr213Ser). In summary, the available evidence is currently insufficient to determine the role of this variant in disease. Therefore, it has been classified as a Variant of Uncertain Significance. Algorithms developed to predict the effect of missense changes on protein structure and function output the following: SIFT: "Tolerated"; PolyPhen-2: "Benign"; Align-GVGD: "Class C0". The serine amino acid residue is found in multiple mammalian species, which suggests that this missense change does not adversely affect protein function. ClinVar contains an entry for this variant (Variation ID: 1523868). This variant has not been reported in the literature in individuals affected with SPART-related conditions. This variant is not present in population databases (gnomAD no frequency).

NM_015087.5(SPART):c.637A>T (p.Thr213Ser)

Gene: SPART (spartin; minus strand). Cytogenetic location: 13q13.3.
Variant type: single nucleotide variant.
Coding change: c.637A>T on transcript NM_015087.5 (MANE Select); coding-DNA position 637, A replaced by T.
Protein change: p.Thr213Ser; replaces threonine 213 with serine.
Molecular consequence: missense variant.
Genome position (GRCh38, 1-based): chr13:36,335,194, T>A on the plus strand (A>T on the coding strand, the complement: SPART is on the minus strand). VCF-style: chr13-36335194-T-A. GRCh37 (hg19) VCF-style: chr13-36909331-T-A.
Other names: c.637A>T, p.Thr213Ser (NM_001142294.2, NM_001142295.2, NM_001142296.2); short protein forms T213S.
Identifiers: ClinVar variation 1523868 (VCV001523868.6), dbSNP rs2137548223, ClinGen allele CA387862821.